The following is an entry in ClinVar:

NM_001374675.1(HSF4):c.561+4T>G

Gene: HSF4 (heat shock transcription factor 4; plus strand). Cytogenetic location: 16q22.1.
Variant type: single nucleotide variant.
Coding change: c.561+4T>G on transcript NM_001374675.1 (MANE Select); 4 bases into the intron after coding-DNA position 561, T replaced by G.
Molecular consequence: intron variant.
Genome position (GRCh38, 1-based): chr16:67,166,399, T>G. VCF-style: chr16-67166399-T-G. GRCh37 (hg19) VCF-style: chr16-67200302-T-G.
Other names: c.561+4T>G (NM_001538.4, NM_001040667.3, NM_001374674.1).
Identifiers: ClinVar variation 320182 (VCV000320182.12), dbSNP rs180744555, ClinGen allele CA8101862.

ClinVar aggregate classification (germline): Benign/Likely benign. Review status: criteria provided, multiple submitters, no conflicts (2 of 4 stars). 3 submissions from 3 submitters: Benign (1); Likely benign (2). Last evaluated 2025-05-20.

Conditions:
Cataract 5 multiple types (CTRCT5). Also called: CATARACT, MARNER TYPE; Lamellar cataract; CATARACT 5, LAMELLAR. Identifiers: Orphanet 91492, MedGen C0266537, MONDO:0007290, OMIM 116800, HP:0007971.

Allele frequency attached by ClinVar (database versions not stated): gnomAD exomes 0.00014 and 0.00038; ExAC 0.00050; ESP Exome Variant Server 0.00127; TOPMed 0.00144; gnomAD 0.00150 and 0.00158; 1000 Genomes Project 30x 0.00219; 1000 Genomes Project 0.00220.

Submissions (3):

Labcorp Genetics (formerly Invitae), Labcorp
Classification: Likely benign for Cataract 5 multiple types. Last evaluated: 2025-05-20. Review status: criteria provided, single submitter. Criteria: Invitae Variant Classification Sherloc (09022015). Collection method: clinical testing. Allele origin: germline.

GeneDx
Classification: Likely benign. Last evaluated: 2020-02-27. Review status: criteria provided, single submitter. Criteria: GeneDx Variant Classification Process June 2021. Collection method: clinical testing. Allele origin: germline. Affected: yes.
Comment: See Variant Classification Assertion Criteria.

Illumina Laboratory Services, Illumina
Classification: Benign for Cataract 5 multiple types. Last evaluated: 2018-01-13. Review status: criteria provided, single submitter. Criteria: ICSL Variant Classification Criteria 13 December 2019. Collection method: clinical testing. Allele origin: germline.
Comment: This variant was observed in the ICSL laboratory as part of a predisposition screen in an ostensibly healthy population. It had not been previously curated by ICSL or reported in the Human Gene Mutation Database (HGMD: prior to June 1st, 2018), and was therefore a candidate for classification through an automated scoring system. Utilizing variant allele frequency, disease prevalence and penetrance estimates, and inheritance mode, an automated score was calculated to assess if this variant is too frequent to cause the disease. Based on the score and internal cut-off values, a variant classified as benign is not then subjected to further curation. The score for this variant resulted in a classification of benign for this disease.